The following is an entry in ClinVar:

NM_001292063.2(OTOG):c.93C>T (p.Leu31=)

Gene: OTOG (otogelin; plus strand). Cytogenetic location: 11p15.1.
Variant type: single nucleotide variant.
Coding change: c.93C>T on transcript NM_001292063.2 (MANE Select); coding-DNA position 93, C replaced by T.
Protein change: p.Leu31=; no amino-acid change (leucine 31 retained).
Molecular consequence: synonymous variant.
Genome position (GRCh38, 1-based): chr11:17,547,465, C>T. VCF-style: chr11-17547465-C-T. GRCh37 (hg19) VCF-style: chr11-17569012-C-T.
Other names: c.93C>T, p.Leu31= (NM_001277269.2).
Identifiers: ClinVar variation 1208266 (VCV001208266.6), dbSNP rs776961395, ClinGen allele CA218483505.

ClinVar aggregate classification (germline): Conflicting classifications of pathogenicity. Review status: criteria provided, conflicting classifications (1 of 4 stars). 2 submissions from 2 submitters: Uncertain significance (1); Likely benign (1). Last evaluated 2025-10-13.

Allele frequency attached by ClinVar (database versions not stated): TOPMed 0.00014; gnomAD 0.00017 and 0.00018.
gnomAD v4.1: 128 of 1,366,386 alleles (0.0094%); highest among the groups gnomAD compares: Admixed American, 0.054%; no homozygotes.

Submissions (2):

Labcorp Genetics (formerly Invitae), Labcorp
Classification: Likely benign. Last evaluated: 2025-10-13. Review status: criteria provided, single submitter. Criteria: Invitae Variant Classification Sherloc (09022015). Collection method: clinical testing. Allele origin: germline.

GeneDx
Classification: Uncertain significance. Last evaluated: 2021-05-13. Review status: criteria provided, single submitter. Criteria: GeneDx Variant Classification Process June 2021. Collection method: clinical testing. Allele origin: germline. Affected: yes.
Comment: Has not been previously published as pathogenic or benign to our knowledge; In-silico analysis, which includes splice predictors and evolutionary conservation, is inconclusive as to whether the variant alters gene splicing. In the absence of RNA/functional studies, the actual effect of this sequence change is unknown.